The following is an entry in ClinVar:

ClinVar aggregate classification (germline): Uncertain significance (1 of 4 stars; one submission).

Allele frequency attached by ClinVar (database versions not stated): gnomAD exomes below 0.00001.
gnomAD v4.1: 1 of 1,610,634 alleles (0.000062%); highest among the groups gnomAD compares: South Asian, 0.0011%; no homozygotes.

Submission:

Labcorp Genetics (formerly Invitae), Labcorp
Classification: Uncertain significance. Last evaluated: 2022-08-25. Review status: criteria provided, single submitter. Criteria: Invitae Variant Classification Sherloc (09022015). Collection method: clinical testing. Allele origin: germline.
Comment: Algorithms developed to predict the effect of missense changes on protein structure and function (SIFT, PolyPhen-2, Align-GVGD) all suggest that this variant is likely to be disruptive. In summary, the available evidence is currently insufficient to determine the role of this variant in disease. Therefore, it has been classified as a Variant of Uncertain Significance. This sequence change replaces tyrosine, which is neutral and polar, with histidine, which is basic and polar, at codon 184 of the TBX20 protein (p.Tyr184His). This variant is present in population databases (no rsID available, gnomAD 0.003%). This variant has not been reported in the literature in individuals affected with TBX20-related conditions.

NM_001077653.2(TBX20):c.550T>C (p.Tyr184His)

Gene: TBX20 (T-box transcription factor 20; minus strand). Cytogenetic location: 7p14.2.
Variant type: single nucleotide variant.
Coding change: c.550T>C on transcript NM_001077653.2 (MANE Select); coding-DNA position 550, T replaced by C.
Protein change: p.Tyr184His; replaces tyrosine 184 with histidine.
Molecular consequence: missense variant.
Genome position (GRCh38, 1-based): chr7:35,245,053, A>G on the plus strand (T>C on the coding strand, the complement: TBX20 is on the minus strand). VCF-style: chr7-35245053-A-G. GRCh37 (hg19) VCF-style: chr7-35284665-A-G.
Other names: c.550T>C, p.Tyr184His (NM_001166220.1); short protein forms Y184H.
Identifiers: ClinVar variation 2027065 (VCV002027065.4), dbSNP rs1396342175, ClinGen allele CA367264496.
Genomic context (GRCh38, chr7:35,245,053, plus strand): 5'-CAAAAGACACCATCTGTTTGAGTAGTTGCTCACCGGTAAAAGGAGAATCTGGATGCACAT[A>G]GAGCCTAAGAAAATTAGGAGAAAACTTTATTGAGACTTCTTTAAAAAGTCTGTCTCTGTA-3'
Protein context (NP_001071121.1, residues 174-194): KADPPLPARL[Tyr184His]VHPDSPFTGE